The following is an entry in ClinVar:

NM_000264.5(PTCH1):c.612C>G (p.Tyr204Ter)

Gene: PTCH1 (patched 1; minus strand). Cytogenetic location: 9q22.32.
Variant type: single nucleotide variant.
Coding change: c.612C>G on transcript NM_000264.5 (MANE Select); coding-DNA position 612, C replaced by G.
Protein change: p.Tyr204Ter; replaces tyrosine 204 with a stop codon.
Molecular consequence: nonsense. On other transcripts: non-coding transcript variant (1).
Genome position (GRCh38, 1-based): chr9:95,482,176, G>C on the plus strand (C>G on the coding strand, the complement: PTCH1 is on the minus strand). VCF-style: chr9-95482176-G-C. GRCh37 (hg19) VCF-style: chr9-98244458-G-C.
Other names: c.414C>G, p.Tyr138Ter (NM_001083602.3, NM_001354919.2); c.609C>G, p.Tyr203Ter (NM_001083603.3); c.159C>G, p.Tyr53Ter (NM_001083604.3, NM_001083605.3, NM_001083606.3 and 1 more transcripts); c.612C>G, p.Tyr204Ter (NM_001354918.2); short protein forms Y138*, Y204*, Y203*, Y53*.
Identifiers: ClinVar variation 216058 (VCV000216058.9), dbSNP rs863224486, ClinGen allele CA337335.

ClinVar aggregate classification (germline): Pathogenic (1 of 4 stars; one submission).

Conditions:
Gorlin syndrome. Also called: Nevoid Basal Cell Carcinoma Syndrome; Basal cell nevus syndrome. Identifiers: Orphanet 377, MedGen C0004779, MONDO:0007187.

Submission:

Labcorp Genetics (formerly Invitae), Labcorp
Classification: Pathogenic for Gorlin syndrome. Last evaluated: 2024-01-30. Review status: criteria provided, single submitter. Criteria: Invitae Variant Classification Sherloc (09022015). Collection method: clinical testing. Allele origin: germline.
Comment: This sequence change creates a premature translational stop signal (p.Tyr204*) in the PTCH1 gene. It is expected to result in an absent or disrupted protein product. Loss-of-function variants in PTCH1 are known to be pathogenic (PMID: 16301862, 16419085). This variant is not present in population databases (gnomAD no frequency). This variant has not been reported in the literature in individuals affected with PTCH1-related conditions. ClinVar contains an entry for this variant (Variation ID: 216058). Algorithms developed to predict the effect of sequence changes on RNA splicing suggest that this variant may disrupt the consensus splice site. For these reasons, this variant has been classified as Pathogenic.

Literature cited by the submitters: PubMed 16301862; PubMed 16419085.